The following is an entry in ClinVar:

NM_201550.4(LRRC10):c.615C>A (p.Phe205Leu)

Gene: LRRC10 (leucine rich repeat containing 10; minus strand). Cytogenetic location: 12q15.
Variant type: single nucleotide variant.
Coding change: c.615C>A on transcript NM_201550.4 (MANE Select); coding-DNA position 615, C replaced by A.
Protein change: p.Phe205Leu; replaces phenylalanine 205 with leucine.
Molecular consequence: missense variant.
Genome position (GRCh38, 1-based): chr12:69,610,224, G>T on the plus strand (C>A on the coding strand, the complement: LRRC10 is on the minus strand). VCF-style: chr12-69610224-G-T. GRCh37 (hg19) VCF-style: chr12-70004004-G-T.
Other names: short protein forms F205L.
Identifiers: ClinVar variation 2890842 (VCV002890842.3), dbSNP rs1341686081, ClinGen allele CA385735847.

ClinVar aggregate classification (germline): Uncertain significance (1 of 4 stars; one submission).

Allele frequency attached by ClinVar (database versions not stated): TOPMed 0.00002.

Submission:

Labcorp Genetics (formerly Invitae), Labcorp
Classification: Uncertain significance. Last evaluated: 2023-12-27. Review status: criteria provided, single submitter. Criteria: Invitae Variant Classification Sherloc (09022015). Collection method: clinical testing. Allele origin: germline.
Comment: This sequence change replaces phenylalanine, which is neutral and non-polar, with leucine, which is neutral and non-polar, at codon 205 of the LRRC10 protein (p.Phe205Leu). This variant is present in population databases (no rsID available, gnomAD 0.003%). This variant has not been reported in the literature in individuals affected with LRRC10-related conditions. An algorithm developed to predict the effect of missense changes on protein structure and function (PolyPhen-2) suggests that this variant is likely to be disruptive. In summary, the available evidence is currently insufficient to determine the role of this variant in disease. Therefore, it has been classified as a Variant of Uncertain Significance.